The following is an entry in ClinVar:

ClinVar aggregate classification (germline): Benign/Likely benign (0 of 4 stars; one submission).

Submission:

ISCA Site 6
Classification: Benign/Likely benign. Last evaluated: 2011-04-30. Review status: no assertion criteria provided. Collection method: clinical testing. Allele origin: unknown. Affected: yes. Observed: 5 variant alleles. Clinical features observed: Developmental delay AND/OR other significant developmental or morphological phenotypes.
Comment: Likely benign (1), Benign (4)

Copy number variation identified through the course of routine clinical cytogenomic testing in postnatal populations, with clinical assertions as classified by the original submitter.

GRCh38/hg38 2q37.3(chr2:240687867-240769873)x3

Genes: AQP12A (aquaporin 12A; plus strand), KIF1A (kinesin family member 1A; minus strand), LOC126806583 (P300/CBP strongly-dependent group 1 enhancer GRCh37_chr2:241678910-241680109; plus strand), LOC285191 (uncharacterized LOC285191; plus strand). Cytogenetic location: 2q37.3.
Variant type: copy number gain.
Change: copy number 3 (three copies instead of two) of chr2:240,687,867-240,769,873 (82.0 kb, GRCh38 coordinates, 1-based), cytogenetic band 2q37.3.
Identifiers: ClinVar variation 144834 (VCV000144834.3).